The following is an entry in ClinVar:

NM_000489.6(ATRX):c.7288C>G (p.Gln2430Glu)

Gene: ATRX (ATRX chromatin remodeler; minus strand). Cytogenetic location: Xq21.1.
Variant type: single nucleotide variant.
Coding change: c.7288C>G on transcript NM_000489.6 (MANE Select); coding-DNA position 7288, C replaced by G.
Protein change: p.Gln2430Glu; replaces glutamine 2430 with glutamic acid.
Molecular consequence: missense variant.
Genome position (GRCh38, 1-based): chrX:77,508,542, G>C on the plus strand (C>G on the coding strand, the complement: ATRX is on the minus strand). VCF-style: chrX-77508542-G-C. GRCh37 (hg19) VCF-style: chrX-76764020-G-C.
Other names: c.7174C>G, p.Gln2392Glu (NM_138270.5); short protein forms Q2392E, Q2430E.
Identifiers: ClinVar variation 4527291 (VCV004527291.1).

ClinVar aggregate classification (germline): Uncertain significance (1 of 4 stars; one submission).

Submission:

GeneDx
Classification: Uncertain significance. Last evaluated: 2025-04-22. Review status: criteria provided, single submitter. Criteria: GeneDx Variant Classification Process June 2021. Collection method: clinical testing. Allele origin: germline. Affected: yes.
Comment: Not observed at significant frequency in large population cohorts (gnomAD); In silico analysis indicates that this missense variant does not alter protein structure/function; Has not been previously published as pathogenic or benign to our knowledge